The following is an entry in ClinVar:

ClinVar aggregate classification (germline): Uncertain significance. Review status: criteria provided, multiple submitters, no conflicts (2 of 4 stars). 2 submissions from 2 submitters: Uncertain significance (2). Last evaluated 2025-06-10.

Conditions:
Inborn genetic diseases. Identifiers: MedGen C0950123, MeSH D030342.

Allele frequency attached by ClinVar (database versions not stated): ExAC 0.00001; gnomAD 0.00002; gnomAD exomes 0.00002 and 0.00003; TOPMed 0.00002.
gnomAD v4.1: 42 of 1,614,000 alleles (0.0026%); highest among the groups gnomAD compares: Non-Finnish European, 0.0033%; no homozygotes.

Submissions (2):

Ambry Genetics
Classification: Uncertain significance for Inborn genetic diseases. Last evaluated: 2025-06-10. Review status: criteria provided, single submitter. Criteria: Ambry Variant Classification Scheme 2023. Collection method: clinical testing. Allele origin: germline.

Labcorp Genetics (formerly Invitae), Labcorp
Classification: Uncertain significance. Last evaluated: 2024-02-24. Review status: criteria provided, single submitter. Criteria: Invitae Variant Classification Sherloc (09022015). Collection method: clinical testing. Allele origin: germline.
Comment: This sequence change replaces glutamine, which is neutral and polar, with arginine, which is basic and polar, at codon 397 of the ABHD12 protein (p.Gln397Arg). This variant is present in population databases (rs11539076, gnomAD 0.003%). This variant has not been reported in the literature in individuals affected with ABHD12-related conditions. ClinVar contains an entry for this variant (Variation ID: 954047). An algorithm developed to predict the effect of missense changes on protein structure and function (PolyPhen-2) suggests that this variant is likely to be tolerated. In summary, the available evidence is currently insufficient to determine the role of this variant in disease. Therefore, it has been classified as a Variant of Uncertain Significance.

NM_001042472.3(ABHD12):c.1190A>G (p.Gln397Arg)

Gene: ABHD12 (abhydrolase domain containing 12, lysophospholipase; minus strand). Cytogenetic location: 20p11.21.
Variant type: single nucleotide variant.
Coding change: c.1190A>G on transcript NM_001042472.3 (MANE Select); coding-DNA position 1190, A replaced by G.
Protein change: p.Gln397Arg; replaces glutamine 397 with arginine.
Molecular consequence: missense variant. On other transcripts: intron variant (1).
Genome position (GRCh38, 1-based): chr20:25,300,852, T>C on the plus strand (A>G on the coding strand, the complement: ABHD12 is on the minus strand). VCF-style: chr20-25300852-T-C. GRCh37 (hg19) VCF-style: chr20-25281488-T-C.
Other names: c.1157+1367A>G (NM_015600.5); short protein forms Q397R.
Identifiers: ClinVar variation 954047 (VCV000954047.8), dbSNP rs11539076, ClinGen allele CA9795787.